The following is an entry in ClinVar:

NM_001048174.2(MUTYH):c.116-55C>T

Gene: MUTYH (mutY DNA glycosylase; minus strand). Cytogenetic location: 1p34.1.
Variant type: single nucleotide variant.
Coding change: c.116-55C>T on transcript NM_001048174.2 (MANE Select); 55 bases into the intron before coding-DNA position 116, C replaced by T.
Molecular consequence: intron variant.
Genome position (GRCh38, 1-based): chr1:45,333,616, G>A on the plus strand (C>T on the coding strand, the complement: MUTYH is on the minus strand). VCF-style: chr1-45333616-G-A. GRCh37 (hg19) VCF-style: chr1-45799288-G-A.
Other names: c.-92-119C>T (NM_001350651.2); c.-97-119C>T (NM_001293192.2, NM_001293196.2); c.-156-55C>T (NM_001350650.2); c.116-55C>T (NM_001048171.2, NM_001048173.2, NM_001293195.2); c.158-52C>T (NM_001293190.2); c.158-22C>T (NM_012222.3); c.158-13C>T (NM_001128425.2); c.116-52C>T (NM_001048172.2); and 1 more.
Identifiers: ClinVar variation 514749 (VCV000514749.18), dbSNP rs1316542179, ClinGen allele CA658795458.

ClinVar aggregate classification (germline): Likely benign. Review status: criteria provided, multiple submitters, no conflicts (2 of 4 stars). 7 submissions from 7 submitters: Likely benign (6). 1 of the submissions does not count toward it. Last evaluated 2026-01-19.

Conditions:
Hereditary cancer-predisposing syndrome. Also called: Neoplastic Syndromes, Hereditary; Hereditary neoplastic syndrome; Tumor predisposition; Hereditary Cancer Syndrome. Identifiers: Orphanet 140162, MedGen C0027672, MeSH D009386, MONDO:0015356.
Familial adenomatous polyposis 2. Also called: ADENOMAS, MULTIPLE COLORECTAL, AUTOSOMAL RECESSIVE; MYH-associated polyposis; MUTYH-related attenuated familial adenomatous polyposis; FAP type 2; MUTYH-associated polyposis; MUTYH Polyposis. Identifiers: Orphanet 220460, Orphanet 247798, MedGen C3272841, MONDO:0012041, OMIM 608456.

Allele frequency attached by ClinVar (database versions not stated): gnomAD exomes 0.00001; TOPMed 0.00002.
gnomAD v4.1: 19 of 1,597,588 alleles (0.0012%); highest among the groups gnomAD compares: Middle Eastern, 0.061%; no homozygotes.

Submissions (7):

Labcorp Genetics (formerly Invitae), Labcorp
Classification: Likely benign for Familial adenomatous polyposis 2. Last evaluated: 2026-01-19. Review status: criteria provided, single submitter. Criteria: Invitae Variant Classification Sherloc (09022015). Collection method: clinical testing. Allele origin: germline.

Center for Genomic Medicine, Rigshospitalet, Copenhagen University Hospital
Classification: Likely benign. Last evaluated: 2025-03-04. Review status: criteria provided, single submitter. Criteria: ACMG Guidelines, 2015. Collection method: clinical testing. Allele origin: germline.

Blueprint Genetics
Classification: Likely benign. Last evaluated: 2024-02-20. Review status: criteria provided, single submitter. Criteria: ACMG Guidelines, 2015. Collection method: clinical testing. Allele origin: germline.

GeneDx
Classification: Likely benign. Last evaluated: 2018-01-11. Review status: criteria provided, single submitter. Criteria: GeneDx Variant Classification (06012015). Collection method: clinical testing. Allele origin: germline. Affected: yes.
Comment: This variant is considered likely benign or benign based on one or more of the following criteria: it is a conservative change, it occurs at a poorly conserved position in the protein, it is predicted to be benign by multiple in silico algorithms, and/or has population frequency not consistent with disease.

Color Diagnostics, LLC DBA Color Health
Classification: Likely benign for Hereditary cancer-predisposing syndrome. Last evaluated: 2017-12-08. Review status: criteria provided, single submitter. Criteria: ACMG Guidelines, 2015. Collection method: clinical testing. Allele origin: germline.

Breakthrough Genomics
Classification: Likely benign. Review status: criteria provided, single submitter. Criteria: ACMG Guidelines, 2015. Collection method: not provided. Allele origin: germline. Inheritance: Autosomal recessive inheritance. Affected: yes.

Department of Pathology and Laboratory Medicine, Sinai Health System
Classification: Uncertain significance for Familial adenomatous polyposis 2. Review status: no assertion criteria provided. Collection method: clinical testing. Allele origin: unknown. Affected: yes. Study: The Canadian Open Genetics Repository (COGR). Not counted in ClinVar's aggregate classification.
Comment: The MUTYH c.158-13C>T variant was not identified in the literature nor was it identified in the dbSNP, COGR, Cosmic, UMD-LSDB, the Exome Aggregation Consortium (August 8th 2016), or the Genome Aggregation Database (Feb 27, 2017). The variant was identified in ClinVar (classified as likely benign by GeneDx). The variant occurs outside of the splicing consensus sequence and 1 of 4 in silico or computational prediction software programs (SpliceSiteFinder, MaxEntScan, NNSPLICE, GeneSplicer) predict a greater than 10% difference in splicing; this is not very predictive of pathogenicity. In summary, based on the above information, the clinical significance of this variant cannot be determined with certainty at this time. This variant is classified as a variant of uncertain significance.